The following is an entry in ClinVar:

NM_001614.5(ACTG1):c.124-9C>T

Gene: ACTG1 (actin gamma 1; minus strand). Cytogenetic location: 17q25.3.
Variant type: single nucleotide variant.
Coding change: c.124-9C>T on transcript NM_001614.5 (MANE Select); 9 bases into the intron before coding-DNA position 124, C replaced by T.
Molecular consequence: intron variant.
Genome position (GRCh38, 1-based): chr17:81,512,151, G>A on the plus strand (C>T on the coding strand, the complement: ACTG1 is on the minus strand). VCF-style: chr17-81512151-G-A. GRCh37 (hg19) VCF-style: chr17-79479177-G-A.
Other names: c.124-9C>T (NM_001614.3, NM_001199954.3).
Identifiers: ClinVar variation 1188717 (VCV001188717.13), dbSNP rs376850595, ClinGen allele CA8836351.
Genomic context (GRCh38, chr17:81,512,151, plus strand): 5'-GGGCCTCGTCGCCCACGTAGGAGTCCTTCTGGCCCATGCCCACCATGACGCCCTGCAGGG[G>A]ACGACCCGTCAGCCTCGCCGGCGACACCGAACCCACCCCGCAACGCAGAACCCAGGAGCC-3'

ClinVar aggregate classification (germline): Conflicting classifications of pathogenicity. Review status: criteria provided, conflicting classifications (1 of 4 stars). 5 submissions from 5 submitters: Uncertain significance (1); Likely benign (3). 1 of the submissions does not count toward it. Last evaluated 2025-12-10.

Conditions:
ACTG1-related disorder. Also called: ACTG1-related condition; ACTG1-related disorders.
Baraitser-winter syndrome 2. Identifiers: Orphanet 2995, MedGen C3281235, MONDO:0013812, OMIM 614583.
Autosomal dominant nonsyndromic hearing loss 20. Identifiers: Orphanet 90635, MedGen C1858172, MONDO:0011480, OMIM 604717.

Allele frequency attached by ClinVar (database versions not stated): gnomAD 0.00005 and 0.00006; TOPMed 0.00006; gnomAD exomes 0.00007; ExAC 0.00008; 1000 Genomes Project 30x 0.00016; 1000 Genomes Project 0.00020; ESP Exome Variant Server 0.00023.

Submissions (5):

Labcorp Genetics (formerly Invitae), Labcorp
Classification: Likely benign for Baraitser-winter syndrome 2; Autosomal dominant nonsyndromic hearing loss 20. Last evaluated: 2025-12-10. Review status: criteria provided, single submitter. Criteria: Invitae Variant Classification Sherloc (09022015). Collection method: clinical testing. Allele origin: germline.

Blueprint Genetics
Classification: Likely benign. Last evaluated: 2024-10-08. Review status: criteria provided, single submitter. Criteria: ACMG Guidelines, 2015. Collection method: clinical testing. Allele origin: germline.

Institute for Clinical Genetics, University Hospital TU Dresden, University Hospital TU Dresden
Classification: Uncertain significance. Last evaluated: 2021-11-03. Review status: criteria provided, single submitter. Criteria: ACMG Guidelines, 2015. Collection method: clinical testing. Allele origin: germline.

GeneDx
Classification: Likely benign. Last evaluated: 2020-03-13. Review status: criteria provided, single submitter. Criteria: GeneDx Variant Classification Process June 2021. Collection method: clinical testing. Allele origin: germline. Affected: yes.

PreventionGenetics, part of Exact Sciences
Classification: Likely benign for ACTG1-related condition. Last evaluated: 2020-01-28. Review status: no assertion criteria provided. Collection method: clinical testing. Allele origin: germline. Not counted in ClinVar's aggregate classification.
Comment: This variant is classified as likely benign based on ACMG/AMP sequence variant interpretation guidelines (Richards et al. 2015 PMID: 25741868, with internal and published modifications).